The following is an entry in ClinVar:

ClinVar aggregate classification (germline): Likely benign. Review status: criteria provided, multiple submitters, no conflicts (2 of 4 stars). 4 submissions from 4 submitters: Likely benign (4). Last evaluated 2026-01-21.

Conditions:
ADGRV1-related disorder. Also called: ADGRV1-related disorders; ADGRV1-related condition.

Allele frequency attached by ClinVar (database versions not stated): gnomAD 0.00002 and 0.00003; gnomAD exomes 0.00002 and 0.00003; ExAC 0.00006; TOPMed 0.00007; 1000 Genomes Project 30x 0.00016; 1000 Genomes Project 0.00020.
gnomAD v4.1: 35 of 1,613,540 alleles (0.0022%); highest among the groups gnomAD compares: Admixed American, 0.015%; no homozygotes.

Submissions (4):

Labcorp Genetics (formerly Invitae), Labcorp
Classification: Likely benign. Last evaluated: 2026-01-21. Review status: criteria provided, single submitter. Criteria: Invitae Variant Classification Sherloc (09022015). Collection method: clinical testing. Allele origin: germline.

PreventionGenetics, part of Exact Sciences
Classification: Likely benign for ADGRV1-related condition. Last evaluated: 2025-03-27. Review status: criteria provided, single submitter. Criteria: ACMG Guidelines, 2015. Collection method: clinical testing. Allele origin: germline.
Comment: This variant is classified as likely benign based on ACMG/AMP sequence variant interpretation guidelines (Richards et al. 2015 PMID: 25741868, with internal and published modifications).

Blueprint Genetics
Classification: Likely benign. Last evaluated: 2024-04-30. Review status: criteria provided, single submitter. Criteria: ACMG Guidelines, 2015. Collection method: clinical testing. Allele origin: germline.

GeneDx
Classification: Likely benign. Last evaluated: 2021-04-28. Review status: criteria provided, single submitter. Criteria: GeneDx Variant Classification Process June 2021. Collection method: clinical testing. Allele origin: germline. Affected: yes.

NM_032119.4(ADGRV1):c.6939G>A (p.Pro2313=)

Gene: ADGRV1 (adhesion G protein-coupled receptor V1; plus strand). Cytogenetic location: 5q14.3.
Variant type: single nucleotide variant.
Coding change: c.6939G>A on transcript NM_032119.4 (MANE Select); coding-DNA position 6939, G replaced by A.
Protein change: p.Pro2313=; no amino-acid change (proline 2313 retained).
Molecular consequence: synonymous variant.
Genome position (GRCh38, 1-based): chr5:90,691,029, G>A. VCF-style: chr5-90691029-G-A. GRCh37 (hg19) VCF-style: chr5-89986846-G-A.
Identifiers: ClinVar variation 963193 (VCV000963193.15), dbSNP rs201009629, ClinGen allele CA3339906.